The following is an entry in ClinVar:

ClinVar aggregate classification (germline): Conflicting classifications of pathogenicity. Review status: criteria provided, conflicting classifications (1 of 4 stars). 4 submissions from 4 submitters: Uncertain significance (3); Benign (1). Last evaluated 2026-01-14.

Conditions:
Familial thoracic aortic aneurysm and aortic dissection (TAAD). Also called: Thoracic aortic aneurysms and dissections. Identifiers: Orphanet 91387, MedGen C4707243, MONDO:0019625.
Congenital contractural arachnodactyly (CCA). Also called: BEALS SYNDROME; Beals-Hecht syndrome; Arthrogryposis, distal, type 9. Identifiers: Orphanet 115, MedGen C0220668, MONDO:0007363, OMIM 121050.

Allele frequency attached by ClinVar (database versions not stated): ExAC 0.00005; gnomAD 0.00006 and 0.00007; gnomAD exomes 0.00006 and 0.00009; TOPMed 0.00015.
gnomAD v4.1: 99 of 1,614,072 alleles (0.0061%); highest among the groups gnomAD compares: South Asian, 0.049%; no homozygotes.

Submissions (4):

Labcorp Genetics (formerly Invitae), Labcorp
Classification: Benign for Congenital contractural arachnodactyly. Last evaluated: 2026-01-14. Review status: criteria provided, single submitter. Criteria: Invitae Variant Classification Sherloc (09022015). Collection method: clinical testing. Allele origin: germline.

Ambry Genetics
Classification: Uncertain significance for Familial thoracic aortic aneurysm and aortic dissection. Last evaluated: 2024-12-30. Review status: criteria provided, single submitter. Criteria: Ambry Variant Classification Scheme 2023. Collection method: clinical testing. Allele origin: germline.
Comment: The p.R993H variant (also known as c.2978G>A), located in coding exon 23 of the FBN2 gene, results from a G to A substitution at nucleotide position 2978. The arginine at codon 993 is replaced by histidine, an amino acid with highly similar properties. This amino acid position is highly conserved in available vertebrate species. In addition, the in silico prediction for this alteration is inconclusive. Based on the available evidence, the clinical significance of this variant remains unclear.

GeneDx
Classification: Uncertain significance. Last evaluated: 2023-02-16. Review status: criteria provided, single submitter. Criteria: GeneDx Variant Classification Process June 2021. Collection method: clinical testing. Allele origin: germline. Affected: yes.
Comment: Has not been previously published as pathogenic or benign to our knowledge; In silico analysis supports that this missense variant has a deleterious effect on protein structure/function; Although located in a calcium-binding EGF-like domain of the FBN2 gene, it does not affect a cysteine residue within this domain; cysteine substitutions in the calcium-binding EGF-like domains represent the majority of pathogenic missense changes associated with FBN2-related disorders (Frederic et al., 2009).; This variant is associated with the following publications: (PMID: 18767143)

Mayo Clinic Laboratories, Mayo Clinic
Classification: Uncertain significance. Last evaluated: 2021-05-20. Review status: criteria provided, single submitter. Criteria: ACMG Guidelines, 2015. Collection method: clinical testing. Allele origin: germline.

NM_001999.4(FBN2):c.2978G>A (p.Arg993His)

Gene: FBN2 (fibrillin 2; minus strand). Cytogenetic location: 5q23.3.
Variant type: single nucleotide variant.
Coding change: c.2978G>A on transcript NM_001999.4 (MANE Select); coding-DNA position 2978, G replaced by A.
Protein change: p.Arg993His; replaces arginine 993 with histidine.
Molecular consequence: missense variant.
Genome position (GRCh38, 1-based): chr5:128,349,358, C>T on the plus strand (G>A on the coding strand, the complement: FBN2 is on the minus strand). VCF-style: chr5-128349358-C-T. GRCh37 (hg19) VCF-style: chr5-127685050-C-T.
Other names: p.Arg993His; short protein forms R993H.
Identifiers: ClinVar variation 263966 (VCV000263966.23), dbSNP rs774483323, ClinGen allele CA3395382.
Genomic context (GRCh38, chr5:128,349,358, plus strand): 5'-AATTCATGGCTTGTTTTATACATAGAATACATGAGGGTGTGAATCTTACCCAAACATACA[C>T]GGCCAGTCCCATCCAACGTAAGGCCTTCAGGGCACTCGCAATGAAAAGATCCCTTACTGT-3'
Protein context (NP_001990.2, residues 983-1003): PEGLTLDGTG[Arg993His]VCLDIRMEQC